The following is an entry in ClinVar:

ClinVar aggregate classification (germline): Uncertain significance (1 of 4 stars; one submission).

Conditions:
Congenital myotonia, autosomal recessive form. Also called: BECKER DISEASE; Becker Generalized Myotonia; myotonia congenita, autosomal recessive. Identifiers: Orphanet 614, MedGen C0751360, MONDO:0009715, OMIM 255700.
Congenital myotonia, autosomal dominant form (THD). Also called: THOMSEN DISEASE; Myotonia congenita autosomal dominant. Identifiers: Orphanet 614, MedGen C2936781, MONDO:0008055, OMIM 160800.

Submission:

Labcorp Genetics (formerly Invitae), Labcorp
Classification: Uncertain significance for Congenital myotonia, autosomal recessive form; Congenital myotonia, autosomal dominant form. Last evaluated: 2025-01-15. Review status: criteria provided, single submitter. Criteria: Invitae Variant Classification Sherloc (09022015). Collection method: clinical testing. Allele origin: germline.
Comment: This sequence change replaces glutamine, which is neutral and polar, with histidine, which is basic and polar, at codon 23 of the CLCN1 protein (p.Gln23His). This variant is not present in population databases (gnomAD no frequency). This variant has not been reported in the literature in individuals affected with CLCN1-related conditions. ClinVar contains an entry for this variant (Variation ID: 1391459). Invitae Evidence Modeling of protein sequence and biophysical properties (such as structural, functional, and spatial information, amino acid conservation, physicochemical variation, residue mobility, and thermodynamic stability) has been performed for this missense variant. However, the output from this modeling did not meet the statistical confidence thresholds required to predict the impact of this variant on CLCN1 protein function. In summary, the available evidence is currently insufficient to determine the role of this variant in disease. Therefore, it has been classified as a Variant of Uncertain Significance.

NM_000083.3(CLCN1):c.69G>C (p.Gln23His)

Gene: CLCN1 (chloride voltage-gated channel 1; plus strand). Cytogenetic location: 7q34.
Variant type: single nucleotide variant.
Coding change: c.69G>C on transcript NM_000083.3 (MANE Select); coding-DNA position 69, G replaced by C.
Protein change: p.Gln23His; replaces glutamine 23 with histidine.
Molecular consequence: missense variant. On other transcripts: non-coding transcript variant (1).
Genome position (GRCh38, 1-based): chr7:143,316,281, G>C. VCF-style: chr7-143316281-G-C. GRCh37 (hg19) VCF-style: chr7-143013374-G-C.
Other names: short protein forms Q23H.
Identifiers: ClinVar variation 1391459 (VCV001391459.5), dbSNP rs760729130, ClinGen allele CA369676844.
Genomic context (GRCh38, chr7:143,316,281, plus strand): 5'-ATCCCGGTCACAGCAGCGTGGGGGTGAACAAAGCTGGTGGGGTAGTGACCCCCAGTACCA[G>C]TATATGCCCTTTGAACACTGCACCAGCTACGGACTGCCCTCTGAGAATGGGGGCCTCCAG-3'
Protein context (NP_000074.3, residues 13-33): QSWWGSDPQY[Gln23His]YMPFEHCTSY